The following is an entry in ClinVar:

NM_177400.3(NKX6-2):c.407-10T>A

Gene: NKX6-2 (NK6 homeobox 2; minus strand). Cytogenetic location: 10q26.3.
Variant type: single nucleotide variant.
Coding change: c.407-10T>A on transcript NM_177400.3 (MANE Select); 10 bases into the intron before coding-DNA position 407, T replaced by A.
Molecular consequence: intron variant.
Genome position (GRCh38, 1-based): chr10:132,785,462, A>T on the plus strand (T>A on the coding strand, the complement: NKX6-2 is on the minus strand). VCF-style: chr10-132785462-A-T. GRCh37 (hg19) VCF-style: chr10-134598966-A-T.
Other names: p.?.
Identifiers: ClinVar variation 4683569 (VCV004683569.1).
Genomic context (GRCh38, chr10:132,785,462, plus strand): 5'-GGCGCGAGTGCTTCTTCTTCCCGTCCTTGTCCAGGACGCCGCCGGCCGGGGCTGCAAGGG[A>T]GGGGAAGGGAGGGAGGTCAGCGGCCGGCGGGGTCCCCCTCCGCGCCCACCCGCCCCGCAC-3'

ClinVar aggregate classification (germline): Likely benign (1 of 4 stars; one submission).

Submission:

Mayo Clinic Laboratories, Mayo Clinic
Classification: Likely benign. Last evaluated: 2025-05-02. Review status: criteria provided, single submitter. Criteria: ACMG Guidelines, 2015. Collection method: clinical testing. Allele origin: germline. Observed: 1 variant allele.
Comment: BP4, BP7